The following is an entry in ClinVar:

NM_001035.3(RYR2):c.14590+283C>T

Gene: RYR2 (ryanodine receptor 2; plus strand). Cytogenetic location: 1q43.
Variant type: single nucleotide variant.
Coding change: c.14590+283C>T on transcript NM_001035.3 (MANE Select); 283 bases into the intron after coding-DNA position 14590, C replaced by T.
Molecular consequence: intron variant.
Genome position (GRCh38, 1-based): chr1:237,819,475, C>T. VCF-style: chr1-237819475-C-T. GRCh37 (hg19) VCF-style: chr1-237982775-C-T.
Identifiers: ClinVar variation 669003 (VCV000669003.1), dbSNP rs6703409, ClinGen allele CA39850655.

ClinVar aggregate classification (germline): Benign (1 of 4 stars; one submission).

Allele frequency attached by ClinVar (database versions not stated): gnomAD 0.06047 and 0.06486; TOPMed 0.06851; 1000 Genomes Project 0.06869; 1000 Genomes Project 30x 0.07589.
gnomAD v4.1: 9,113 of 152,220 alleles (6%); highest among the groups gnomAD compares: African/African-American, 21%; 890 homozygotes.

Submission:

GeneDx
Classification: Benign. Last evaluated: 2018-06-18. Review status: criteria provided, single submitter. Criteria: GeneDx Variant Classification (06012015). Collection method: clinical testing. Allele origin: germline. Affected: yes.
Comment: This variant is considered likely benign or benign based on one or more of the following criteria: it is a conservative change, it occurs at a poorly conserved position in the protein, it is predicted to be benign by multiple in silico algorithms, and/or has population frequency not consistent with disease.